The following is an entry in ClinVar:

ClinVar aggregate classification (germline): Pathogenic/Likely pathogenic. Review status: criteria provided, multiple submitters, no conflicts (2 of 4 stars). 5 submissions from 5 submitters: Pathogenic (2); Likely pathogenic (3). Last evaluated 2026-06-16.

Conditions:
ACADM-related disorder. Also called: ACADM-related condition.
Medium-chain acyl-coenzyme A dehydrogenase deficiency (ACADMD). Also called: CARNITINE DEFICIENCY SECONDARY TO MEDIUM-CHAIN ACYL-CoA DEHYDROGENASE DEFICIENCY; ACADM DEFICIENCY; Medium chain acyl-CoA dehydrogenase deficiency; MCADH DEFICIENCY; MCADD; MCAD Deficiency. Identifiers: Orphanet 42, MedGen C0220710, MONDO:0008721, OMIM 201450.

Allele frequency attached by ClinVar (database versions not stated): gnomAD exomes below 0.00001 and 0.00001; ExAC 0.00002.
gnomAD v4.1: 1 of 1,613,178 alleles (0.000062%); highest among the groups gnomAD compares: Non-Finnish European, 0.000085%; no homozygotes.

Submissions (5):

Women's Health and Genetics/Laboratory Corporation of America, LabCorp
Classification: Likely pathogenic for Medium-chain acyl-coenzyme A dehydrogenase deficiency. Last evaluated: 2026-06-16. Review status: criteria provided, single submitter. Criteria: LabCorp Variant Classification Summary - May 2015. Collection method: clinical testing. Allele origin: germline.
Comment: Variant summary: ACADM c.849+2T>C is located in a canonical splice-site and is predicted to affect mRNA splicing resulting in a significantly altered protein due to either exon skipping, shortening, or inclusion of intronic material. Variants that disrupt the consensus splice site are a relatively common cause of aberrant splicing and loss of ACADM function. Several computational tools predict a significant impact on normal splicing: Two predict the variant abolishes a 5' splicing donor site. Two predict the variant creates a 5' donor site. One predict the variant strengthens a 5' donor site. However, these predictions have yet to be confirmed by functional studies. The variant allele was found at a frequency of 8e-06 in 250934 control chromosomes. c.849+2T>C has been observed in individuals affected with ACADM-related medium-chain acyl-CoA dehydrogenase deficiency (ter Veld_2009, Smon_2016). These data indicate that the variant may be associated with disease. To our knowledge, no experimental evidence demonstrating an impact on protein function has been reported. The following publications have been ascertained in the context of this evaluation (PMID: 29350094, 19649258). ClinVar contains an entry for this variant (Variation ID: 1072109). Based on the evidence outlined above, the variant was classified as likely pathogenic.

Natera, Inc.
Classification: Pathogenic for Medium Chain Acyl-CoA Dehydrogenase Deficiency. Last evaluated: 2025-05-02. Review status: criteria provided, single submitter. Criteria: Natera Variant Classification Schema (03/2026). Collection method: clinical testing. Allele origin: germline.
Comment: The c.849+2T>C variant in ACADM is a canonical splice donor site variant predicted to affect pre-mRNA splicing, which may result in an abnormal transcript and altered protein product. This variant is expected to result in nonsense mediated decay, truncation, or a dysfunctional protein product. This variant is rare in the general population with a frequency below the threshold expected for the associated phenotype(s). This variant has been observed in one or more individuals affected with the associated recessive disease, as either homozygous or compound heterozygous with a second variant (PMID: 19649258, 29350094). Given the available evidence, this variant is classified as Pathogenic.

Labcorp Genetics (formerly Invitae), Labcorp
Classification: Pathogenic for Medium-chain acyl-coenzyme A dehydrogenase deficiency. Last evaluated: 2025-04-17. Review status: criteria provided, single submitter. Criteria: Invitae Variant Classification Sherloc (09022015). Collection method: clinical testing. Allele origin: germline.
Comment: This sequence change affects a donor splice site in intron 9 of the ACADM gene. It is expected to disrupt RNA splicing. Variants that disrupt the donor or acceptor splice site typically lead to a loss of protein function (PMID: 16199547), and loss-of-function variants in ACADM are known to be pathogenic (PMID: 16121256, 20434380). This variant is present in population databases (rs780737237, gnomAD 0.002%). Disruption of this splice site has been observed in individual(s) with Medium-chain acyl-coenzyme A dehydrogenase deficiency (PMID: 29350094). In at least one individual the data is consistent with being in trans (on the opposite chromosome) from a pathogenic variant. This variant is also known as c.861+2T>C. ClinVar contains an entry for this variant (Variation ID: 1072109). Algorithms developed to predict the effect of sequence changes on RNA splicing suggest that this variant may disrupt the consensus splice site. For these reasons, this variant has been classified as Pathogenic.

Blueprint Genetics
Classification: Likely pathogenic for ACADM-related disorders. Last evaluated: 2024-02-21. Review status: criteria provided, single submitter. Criteria: ACMG Guidelines, 2015. Collection method: clinical testing. Allele origin: germline. Affected: yes. Observed: 4 variant alleles.

Baylor Genetics
Classification: Likely pathogenic for Medium-chain acyl-coenzyme A dehydrogenase deficiency. Last evaluated: 2024-02-03. Review status: criteria provided, single submitter. Criteria: ACMG Guidelines, 2015. Collection method: clinical testing. Allele origin: unknown.

Literature cited by the submitters: PubMed 19649258 (cited by Women's Health and Genetics/Laboratory Corporation of America, LabCorp and Natera, Inc.); PubMed 29350094 (cited by 3 submitters); PubMed 16199547 (cited by Labcorp Genetics (formerly Invitae), Labcorp); PubMed 16121256 (cited by Labcorp Genetics (formerly Invitae), Labcorp); PubMed 20434380 (cited by Labcorp Genetics (formerly Invitae), Labcorp).

NM_000016.6(ACADM):c.849+2T>C

Gene: ACADM (acyl-CoA dehydrogenase medium chain; plus strand). Cytogenetic location: 1p31.1.
Variant type: single nucleotide variant.
Coding change: c.849+2T>C on transcript NM_000016.6 (MANE Select); the canonical splice donor site of the intron after coding-DNA position 849, T replaced by C.
Molecular consequence: splice donor variant.
Genome position (GRCh38, 1-based): chr1:75,749,561, T>C. VCF-style: chr1-75749561-T-C. GRCh37 (hg19) VCF-style: chr1-76215246-T-C.
Other names: c.849+2T>C (NM_000016.5); c.861+2T>C (NM_001127328.3); c.948+2T>C (NM_001286043.2); c.741+2T>C (NM_001286042.2); c.282+2T>C (NM_001286044.2).
Identifiers: ClinVar variation 1072109 (VCV001072109.17), dbSNP rs780737237, ClinGen allele CA913214.